The following is an entry in ClinVar:

ClinVar aggregate classification (germline): Likely pathogenic (1 of 4 stars; one submission).

Submission:

Greenwood Genetic Center Diagnostic Laboratories, Greenwood Genetic Center
Classification: Likely pathogenic. Last evaluated: 2020-12-29. Review status: criteria provided, single submitter. Criteria: ACMG Guidelines, 2015. Collection method: clinical testing. Allele origin: germline. Affected: yes.
Comment: PVS1, PM2

NM_000088.4(COL1A1):c.3871_3883delinsGT (p.Cys1291fs)

Gene: COL1A1 (collagen type I alpha 1 chain; minus strand). Cytogenetic location: 17q21.33.
Variant type: Indel.
Coding change: c.3871_3883delinsGT on transcript NM_000088.4 (MANE Select); coding-DNA positions 3871 to 3883, TGCAACATGGAGA replaced by GT.
Protein change: p.Cys1291fs; shifts the reading frame from cysteine 1291.
Molecular consequence: frameshift variant.
Genome position (GRCh38, 1-based): chr17:50,186,439-50,186,451, TCTCCATGTTGCA replaced by AC on the plus strand (TGCAACATGGAGA replaced by GT on the coding strand, the reverse complement: COL1A1 is on the minus strand). VCF-style: chr17-50186439-TCTCCATGTTGCA-AC. GRCh37 (hg19) VCF-style: chr17-48263800-TCTCCATGTTGCA-AC.
Other names: short protein forms C1291fs.
Identifiers: ClinVar variation 1331560 (VCV001331560.4), dbSNP rs2144534853, ClinGen allele CA2573054478.